The following is an entry in ClinVar:

ClinVar aggregate classification (germline): Uncertain significance (1 of 4 stars; one submission).

Conditions:
Nephronophthisis. Also called: Juvenile Nephronophthisis. Identifiers: Orphanet 655, MedGen C0687120, MONDO:0019005, HP:0000090.

Allele frequency attached by ClinVar (database versions not stated): ExAC 0.00001; gnomAD 0.00001; TOPMed 0.00001.
gnomAD v4.1: 9 of 1,592,914 alleles (0.00057%); highest among the groups gnomAD compares: Admixed American, 0.005%; no homozygotes.

Submission:

Labcorp Genetics (formerly Invitae), Labcorp
Classification: Uncertain significance for Nephronophthisis. Last evaluated: 2022-09-27. Review status: criteria provided, single submitter. Criteria: Invitae Variant Classification Sherloc (09022015). Collection method: clinical testing. Allele origin: germline.
Comment: In summary, the available evidence is currently insufficient to determine the role of this variant in disease. Therefore, it has been classified as a Variant of Uncertain Significance. Algorithms developed to predict the effect of missense changes on protein structure and function output the following: SIFT: "Tolerated"; PolyPhen-2: "Possibly Damaging"; Align-GVGD: "Class C0". The isoleucine amino acid residue is found in multiple mammalian species, which suggests that this missense change does not adversely affect protein function. This variant has not been reported in the literature in individuals affected with NPHP3-related conditions. This variant is present in population databases (rs766208671, gnomAD 0.006%). This sequence change replaces threonine, which is neutral and polar, with isoleucine, which is neutral and non-polar, at codon 579 of the NPHP3 protein (p.Thr579Ile).

NM_153240.5(NPHP3):c.1736C>T (p.Thr579Ile)

Genes: NPHP3 (nephrocystin 3; minus strand), NPHP3-ACAD11 (NPHP3-ACAD11 readthrough (NMD candidate); minus strand). Cytogenetic location: 3q22.1.
Variant type: single nucleotide variant.
Coding change: c.1736C>T on transcript NM_153240.5 (MANE Select); coding-DNA position 1736, C replaced by T.
Protein change: p.Thr579Ile; replaces threonine 579 with isoleucine.
Molecular consequence: missense variant. On other transcripts: non-coding transcript variant (1).
Genome position (GRCh38, 1-based): chr3:132,700,341, G>A on the plus strand (C>T on the coding strand, the complement: NPHP3 is on the minus strand). VCF-style: chr3-132700341-G-A. GRCh37 (hg19) VCF-style: chr3-132419185-G-A.
Other names: short protein forms T579I.
Identifiers: ClinVar variation 2159134 (VCV002159134.2), dbSNP rs766208671, ClinGen allele CA2622225.